The following is an entry in ClinVar:

ClinVar aggregate classification (germline): Likely pathogenic (1 of 4 stars; one submission).

Conditions:
Maple syrup urine disease (MSUD). Identifiers: Orphanet 511, MedGen C0024776, MeSH D008375, MONDO:0009563. Disease mechanism: loss of function.

Submission:

Labcorp Genetics (formerly Invitae), Labcorp
Classification: Likely pathogenic for Maple syrup urine disease. Last evaluated: 2025-03-31. Review status: criteria provided, single submitter. Criteria: Invitae Variant Classification Sherloc (09022015). Collection method: clinical testing. Allele origin: germline.
Comment: This sequence change affects an acceptor splice site in intron 5 of the DBT gene. It is expected to disrupt RNA splicing. Variants that disrupt the donor or acceptor splice site typically lead to a loss of protein function (PMID: 16199547), and loss-of-function variants in DBT are known to be pathogenic (PMID: 16579849, 16786533). This variant is not present in population databases (gnomAD no frequency). This variant has not been reported in the literature in individuals affected with DBT-related conditions. Algorithms developed to predict the effect of sequence changes on RNA splicing suggest that this variant may disrupt the consensus splice site. In summary, the currently available evidence indicates that the variant is pathogenic, but additional data are needed to prove that conclusively. Therefore, this variant has been classified as Likely Pathogenic.

Literature cited by the submitters: PubMed 16199547; PubMed 16579849; PubMed 16786533.

NM_001918.5(DBT):c.556-2A>G

Gene: DBT (dihydrolipoamide branched chain transacylase E2; minus strand). Cytogenetic location: 1p21.2.
Variant type: single nucleotide variant.
Coding change: c.556-2A>G on transcript NM_001918.5 (MANE Select); the canonical splice acceptor site of the intron before coding-DNA position 556, A replaced by G.
Molecular consequence: splice acceptor variant.
Genome position (GRCh38, 1-based): chr1:100,216,201, T>C on the plus strand (A>G on the coding strand, the complement: DBT is on the minus strand). VCF-style: chr1-100216201-T-C. GRCh37 (hg19) VCF-style: chr1-100681757-T-C.
Other names: c.13-2A>G (NM_001399972.1, NM_001399969.1).
Identifiers: ClinVar variation 4716420 (VCV004716420.1).
Genomic context (GRCh38, chr1:100,216,201, plus strand): 5'-ATATCTTCTTTAAGTATTCTGCCATCTTTTCCTGAGCCAACAACTTCACTCAGCTTAATC[T>C]AAAAAATGATATATTTTAATGCCAAAAATACAACTATTTAAAAACATCATTAAAGTTTCA-3'